The following is an entry in ClinVar:

NM_018180.3(DHX32):c.851A>G (p.Asp284Gly)

Gene: DHX32 (DEAH-box helicase 32 (putative); minus strand). Cytogenetic location: 10q26.2.
Variant type: single nucleotide variant.
Coding change: c.851A>G on transcript NM_018180.3 (MANE Select); coding-DNA position 851, A replaced by G.
Protein change: p.Asp284Gly; replaces aspartic acid 284 with glycine.
Molecular consequence: missense variant.
Genome position (GRCh38, 1-based): chr10:125,854,202, T>C on the plus strand (A>G on the coding strand, the complement: DHX32 is on the minus strand). VCF-style: chr10-125854202-T-C. GRCh37 (hg19) VCF-style: chr10-127542771-T-C.
Other names: short protein forms D284G.
Identifiers: ClinVar variation 2032502 (VCV002032502.4), dbSNP rs2494423285, ClinGen allele CA378677280.

ClinVar aggregate classification (germline): Uncertain significance (1 of 4 stars; one submission).

Submission:

Labcorp Genetics (formerly Invitae), Labcorp
Classification: Uncertain significance. Last evaluated: 2022-09-25. Review status: criteria provided, single submitter. Criteria: Invitae Variant Classification Sherloc (09022015). Collection method: clinical testing. Allele origin: germline.
Comment: In summary, the available evidence is currently insufficient to determine the role of this variant in disease. Therefore, it has been classified as a Variant of Uncertain Significance. Algorithms developed to predict the effect of missense changes on protein structure and function are either unavailable or do not agree on the potential impact of this missense change (SIFT: "Deleterious"; PolyPhen-2: "Possibly Damaging"; Align-GVGD: "Class C15"). This variant has not been reported in the literature in individuals affected with DHX32-related conditions. This variant is not present in population databases (gnomAD no frequency). This sequence change replaces aspartic acid, which is acidic and polar, with glycine, which is neutral and non-polar, at codon 284 of the DHX32 protein (p.Asp284Gly).